The following is an entry in ClinVar:

NM_004304.5(ALK):c.4733C>T (p.Pro1578Leu)

Gene: ALK (ALK receptor tyrosine kinase; minus strand). Cytogenetic location: 2p23.2.
Variant type: single nucleotide variant.
Coding change: c.4733C>T on transcript NM_004304.5 (MANE Select); coding-DNA position 4733, C replaced by T.
Protein change: p.Pro1578Leu; replaces proline 1578 with leucine.
Molecular consequence: missense variant.
Genome position (GRCh38, 1-based): chr2:29,193,354, G>A on the plus strand (C>T on the coding strand, the complement: ALK is on the minus strand). VCF-style: chr2-29193354-G-A. GRCh37 (hg19) VCF-style: chr2-29416220-G-A.
Other names: c.1529C>T, p.Pro510Leu (NM_001353765.2); c.4733C>T (NM_004304.4); short protein forms P1578L, P510L.
Identifiers: ClinVar variation 1057192 (VCV001057192.11), dbSNP rs1251627719, ClinGen allele CA346460361.
Genomic context (GRCh38, chr2:29,193,354, plus strand): 5'-GCAGTAGCGGCTTCTAAGGGCAAGCCCTGTTGCTGGTAGCCGTAATTGACATTCCCACAA[G>A]GGAAGTGACGTAGCCTGAACAGAGGTACCTCCTTCATATTGGCAGTCAGCGAAGAGGGCT-3'
Protein context (NP_004295.2, residues 1568-1588): EVPLFRLRHF[Pro1578Leu]CGNVNYGYQQ

ClinVar aggregate classification (germline): Uncertain significance. Review status: criteria provided, multiple submitters, no conflicts (2 of 4 stars). 2 submissions from 2 submitters: Uncertain significance (2). Last evaluated 2026-01-04.

Conditions:
Neuroblastoma, susceptibility to, 3. Also called: ALK-Related Neuroblastic Tumor Susceptibility. Identifiers: Orphanet 635, MedGen C2751681, MONDO:0013083, OMIM 613014.
Hereditary cancer-predisposing syndrome. Also called: Tumor predisposition; Neoplastic Syndromes, Hereditary; Hereditary Cancer Syndrome; Hereditary neoplastic syndrome. Identifiers: Orphanet 140162, MedGen C0027672, MeSH D009386, MONDO:0015356.

Allele frequency attached by ClinVar (database versions not stated): gnomAD exomes below 0.00001.
gnomAD v4.1: 1 of 1,614,180 alleles (0.000062%); highest among the groups gnomAD compares: Non-Finnish European, 0.000085%; no homozygotes.

Submissions (2):

Labcorp Genetics (formerly Invitae), Labcorp
Classification: Uncertain significance for Neuroblastoma, susceptibility to, 3. Last evaluated: 2026-01-04. Review status: criteria provided, single submitter. Criteria: Invitae Variant Classification Sherloc (09022015). Collection method: clinical testing. Allele origin: germline.
Comment: This sequence change replaces proline, which is neutral and non-polar, with leucine, which is neutral and non-polar, at codon 1578 of the ALK protein (p.Pro1578Leu). This variant is present in population databases (no rsID available, gnomAD 0.0009%). This variant has not been reported in the literature in individuals affected with ALK-related conditions. ClinVar contains an entry for this variant (Variation ID: 1057192). An algorithm developed to predict the effect of missense changes on protein structure and function (PolyPhen-2) suggests that this variant is likely to be disruptive. In summary, the available evidence is currently insufficient to determine the role of this variant in disease. Therefore, it has been classified as a Variant of Uncertain Significance.

Ambry Genetics
Classification: Uncertain significance for Hereditary cancer-predisposing syndrome. Last evaluated: 2025-07-05. Review status: criteria provided, single submitter. Criteria: Ambry Variant Classification Scheme 2023. Collection method: clinical testing. Allele origin: germline.
Comment: The p.P1578L variant (also known as c.4733C>T), located in coding exon 29 of the ALK gene, results from a C to T substitution at nucleotide position 4733. The proline at codon 1578 is replaced by leucine, an amino acid with similar properties. This amino acid position is conserved. In addition, this alteration is predicted to be tolerated by in silico analysis. Since supporting evidence is limited at this time, the clinical significance of this alteration remains unclear.